The following is an entry in ClinVar:

ClinVar aggregate classification (germline): Uncertain significance (1 of 4 stars; one submission).

gnomAD v4.1: 2 of 1,552,234 alleles (0.00013%); highest among the groups gnomAD compares: South Asian, 0.0012%; no homozygotes.

Submission:

Dasa
Classification: Uncertain significance. Last evaluated: 2025-05-20. Review status: criteria provided, single submitter. Criteria: DASA Assertion Criteria. Collection method: clinical testing. Allele origin: germline.
Comment: NM_021098.3(CACNA1H):c.1722C>G (p.Ser574Arg) is a missense variant that results in the substitution of serine with arginine. This variant is rare in population databases. The currently available literature and clinical evidence are not sufficient to establish a definitive association between this variant and the reported condition. Therefore, this variant is classified as a variant of uncertain significance.

NM_021098.3(CACNA1H):c.1722C>G (p.Ser574Arg)

Gene: CACNA1H (calcium voltage-gated channel subunit alpha1 H; plus strand). Cytogenetic location: 16p13.3.
Variant type: single nucleotide variant.
Coding change: c.1722C>G on transcript NM_021098.3 (MANE Select); coding-DNA position 1722, C replaced by G.
Protein change: p.Ser574Arg; replaces serine 574 with arginine.
Molecular consequence: missense variant.
Genome position (GRCh38, 1-based): chr16:1,202,172, C>G. VCF-style: chr16-1202172-C-G. GRCh37 (hg19) VCF-style: chr16-1252172-C-G.
Other names: c.1722C>G, p.Ser574Arg (NM_001005407.2); short protein forms S574R.
Identifiers: ClinVar variation 4880891 (VCV004880891.2).